The following is an entry in ClinVar:

ClinVar aggregate classification (germline): Uncertain significance (1 of 4 stars; one submission).

Submission:

Dasa
Classification: Uncertain significance. Last evaluated: 2025-08-26. Review status: criteria provided, single submitter. Criteria: DASA Assertion Criteria. Collection method: clinical testing. Allele origin: germline.
Comment: NM_001372044.2(SHANK3):c.4784G>T (p.Gly1595Val) is a missense variant that results in the substitution of glycine with valine. This variant is absent from population databases. Computational prediction algorithms are consistent with a benign effect. The currently available literature and clinical evidence are not sufficient to establish a definitive association between this variant and the reported condition. Therefore, this variant is classified as a variant of uncertain significance.

NM_001372044.2(SHANK3):c.4784G>T (p.Gly1595Val)

Gene: SHANK3 (SH3 and multiple ankyrin repeat domains 3; plus strand). Cytogenetic location: 22q13.33.
Variant type: single nucleotide variant.
Coding change: c.4784G>T on transcript NM_001372044.2 (MANE Select); coding-DNA position 4784, G replaced by T.
Protein change: p.Gly1595Val; replaces glycine 1595 with valine.
Molecular consequence: missense variant.
Genome position (GRCh38, 1-based): chr22:50,722,392, G>T. VCF-style: chr22-50722392-G-T. GRCh37 (hg19) VCF-style: chr22-51160820-G-T.
Other names: short protein forms G1595V.
Identifiers: ClinVar variation 4883823 (VCV004883823.2).
Genomic context (GRCh38, chr22:50,722,392, plus strand): 5'-GCCTGCAGCAGCTGAACAAGGACACGCGTTCCCTGGGGGAGGAACCAGTTGGTGGCCTGG[G>T]CAGCCTGCTGGACCCTGCCAAGAAGTCGCCCATCGCAGCAGCTCGGTGAGCAGGGCGGTG-3'
Protein context (NP_001358973.1, residues 1585-1605): SLGEEPVGGL[Gly1595Val]SLLDPAKKSP